The following is an entry in ClinVar:

ClinVar aggregate classification (germline): Uncertain significance (1 of 4 stars; one submission).

Allele frequency attached by ClinVar (database versions not stated): gnomAD 0.00001.
gnomAD v4.1: 1 of 1,609,934 alleles (0.000062%); highest among the groups gnomAD compares: Non-Finnish European, 0.000085%; no homozygotes.

Submission:

Labcorp Genetics (formerly Invitae), Labcorp
Classification: Uncertain significance. Last evaluated: 2020-02-11. Review status: criteria provided, single submitter. Criteria: Invitae Variant Classification Sherloc (09022015). Collection method: clinical testing. Allele origin: germline.
Comment: In summary, the available evidence is currently insufficient to determine the role of this variant in disease. Therefore, it has been classified as a Variant of Uncertain Significance. Algorithms developed to predict the effect of missense changes on protein structure and function are either unavailable or do not agree on the potential impact of this missense change (SIFT: "Not Available"; PolyPhen-2: "Benign"; Align-GVGD: "Not Available"). This variant has not been reported in the literature in individuals with CEP250-related conditions. This variant is not present in population databases (ExAC no frequency). This sequence change replaces asparagine with aspartic acid at codon 95 of the CEP250 protein (p.Asn95Asp). The asparagine residue is weakly conserved and there is a small physicochemical difference between asparagine and aspartic acid.

NM_007186.6(CEP250):c.283A>G (p.Asn95Asp)

Gene: CEP250 (centrosomal protein 250; plus strand). Cytogenetic location: 20q11.22.
Variant type: single nucleotide variant.
Coding change: c.283A>G on transcript NM_007186.6 (MANE Select); coding-DNA position 283, A replaced by G.
Protein change: p.Asn95Asp; replaces asparagine 95 with aspartic acid.
Molecular consequence: missense variant. On other transcripts: 5 prime UTR variant (1).
Genome position (GRCh38, 1-based): chr20:35,465,782, A>G. VCF-style: chr20-35465782-A-G. GRCh37 (hg19) VCF-style: chr20-34053607-A-G.
Other names: c.-1617A>G (NM_001318219.1); short protein forms N95D.
Identifiers: ClinVar variation 1001062 (VCV001001062.7), dbSNP rs2062863551, ClinGen allele CA408752735.